The following is an entry in ClinVar:

ClinVar aggregate classification (germline): Conflicting classifications of pathogenicity. Review status: criteria provided, conflicting classifications (1 of 4 stars). 5 submissions from 5 submitters: Likely pathogenic (3); Uncertain significance (2). Last evaluated 2025-09-03.

Conditions:
Cardiovascular phenotype. Identifiers: MedGen CN230736.
Dilated cardiomyopathy 1I (CMD1I). Identifiers: Orphanet 154, MedGen C1858154, MONDO:0011482, OMIM 604765.
DES-related disorders.
Desmin-related myofibrillar myopathy (MFM1). Also called: Desminopathy; MYOFIBRILLAR MYOPATHY WITH ARRHYTHMOGENIC RIGHT VENTRICULAR CARDIOMYOPATHY; DESMIN-RELATED MYOPATHY WITH ARRHYTHMOGENIC RIGHT VENTRICULAR CARDIOMYOPATHY; Myofibrillar myopathy 1; Desmin related myopathy (former name); Desmin storage myopathy (former name). Identifiers: Orphanet 363543, Orphanet 98909, MedGen C1832370, MONDO:0011076, OMIM 601419.

Allele frequency attached by ClinVar (database versions not stated): gnomAD exomes below 0.00001; ExAC 0.00001; gnomAD 0.00001; TOPMed 0.00001.
gnomAD v4.1: 12 of 1,613,958 alleles (0.00074%); highest among the groups gnomAD compares: Non-Finnish European, 0.001%; no homozygotes.

Submissions (5):

Ambry Genetics
Classification: Uncertain significance for Cardiovascular phenotype. Last evaluated: 2025-09-03. Review status: criteria provided, single submitter. Criteria: Ambry Variant Classification Scheme 2023. Collection method: clinical testing. Allele origin: germline.
Comment: The p.R355* variant (also known as c.1063C>T), located in coding exon 6 of the DES gene, results from a C to T substitution at nucleotide position 1063. This changes the amino acid from an arginine to a stop codon within coding exon 6. This variant was reported as heterozygous in individual(s) with features consistent with myopathy (Khadilkar SV et al. J Neuromuscul Dis, 2022;9:571-580; Chumakova OS et al. Front Cardiovasc Med, 2025 Jun;12:1483390). This alteration is expected to result in loss of function by premature protein truncation or nonsense-mediated mRNA decay. Although biallelic loss of function of DES has been associated with autosomal recessive DES-related myofibrillar myopathy, haploinsufficiency of DES has not been established as a mechanism of disease for autosomal dominant DES-related myopathy. Based on the supporting evidence, this variant is expected to be causative of autosomal recessive DES-related myofibrillar myopathy when present along with a second pathogenic variant on the other allele; however, its clinical significance for autosomal dominant DES-related myopathy is unclear.

Blueprint Genetics
Classification: Likely pathogenic for DES-related disorders. Last evaluated: 2023-09-04. Review status: criteria provided, single submitter. Criteria: ACMG Guidelines, 2015. Collection method: clinical testing. Allele origin: germline. Affected: yes. Observed: 2 variant alleles.

Revvity Omics, Revvity
Classification: Likely pathogenic. Last evaluated: 2022-12-30. Review status: criteria provided, single submitter. Criteria: ACMG Guidelines, 2015. Collection method: clinical testing. Allele origin: germline.

Laboratory for Molecular Medicine, Mass General Brigham Personalized Medicine
Classification: Likely pathogenic for Desmin-related myofibrillar myopathy. Last evaluated: 2019-02-08. Review status: criteria provided, single submitter. Criteria: ACMG Guidelines, 2015. Collection method: clinical testing. Allele origin: germline. Inheritance: Autosomal dominant inheritance.
Comment: The p.Arg355X variant in DES has not been previously reported in individuals with desmin-related myopathy but has been identified in 1/113718 European chromosomes by the Genome Aggregation Database (gnomAD). This nonsense variant leads to a premature termination codon at position 355, which is predicted to lead to a truncated or absent protein. Heterozygous loss of function of the DES gene is an established disease mechanism in desmin-related myopathy. In summary, although additional studies are required to fully establish its clinical significance, the p.Gln355X variant is likely pathogenic. ACMG/AMP Criteria applied: PVS1, PM2.

Equipe Genetique des Anomalies du Developpement, Université de Bourgogne
Classification: Uncertain significance for Dilated cardiomyopathy 1I. Last evaluated: 2018-11-21. Review status: criteria provided, single submitter. Criteria: ACMG Guidelines, 2015. Collection method: clinical testing. Allele origin: unknown.

Literature cited by the submitters: PubMed 35723113 (cited by Ambry Genetics); PubMed 40574817 (cited by Ambry Genetics).

NM_001927.4(DES):c.1063C>T (p.Arg355Ter)

Gene: DES (desmin; plus strand). Cytogenetic location: 2q35.
Variant type: single nucleotide variant.
Coding change: c.1063C>T on transcript NM_001927.4 (MANE Select); coding-DNA position 1063, C replaced by T.
Protein change: p.Arg355Ter; replaces arginine 355 with a stop codon.
Molecular consequence: nonsense.
Genome position (GRCh38, 1-based): chr2:219,421,379, C>T. VCF-style: chr2-219421379-C-T. GRCh37 (hg19) VCF-style: chr2-220286101-C-T.
Other names: c.1063C>T (LRG_380t1); short protein forms R355*.
Identifiers: ClinVar variation 617903 (VCV000617903.10), dbSNP rs762808690, ClinGen allele CA2125233.